The following is an entry in ClinVar:

ClinVar aggregate classification (germline): Uncertain significance. Review status: criteria provided, multiple submitters, no conflicts (2 of 4 stars). 2 submissions from 2 submitters: Uncertain significance (2). Last evaluated 2020-04-28.

Conditions:
Inborn genetic diseases. Identifiers: MedGen C0950123, MeSH D030342.
Charcot-Marie-Tooth disease axonal type 2P. Also called: CHARCOT-MARIE-TOOTH NEUROPATHY, TYPE 2P; CHARCOT-MARIE-TOOTH DISEASE, AXONAL, TYPE 2G; CMT 2G; Charcot-Marie-Tooth Neuropathy Type 2G. Identifiers: Orphanet 300319, Orphanet 99941, MedGen C3280797, MONDO:0013753, OMIM 614436.

Allele frequency attached by ClinVar (database versions not stated): gnomAD exomes below 0.00001; ExAC 0.00001.
gnomAD v4.1: 3 of 1,614,126 alleles (0.00019%); highest among the groups gnomAD compares: Non-Finnish European, 0.00025%; no homozygotes.

Submissions (2):

Ambry Genetics
Classification: Uncertain significance for Inborn genetic diseases. Last evaluated: 2020-04-28. Review status: criteria provided, single submitter. Criteria: Ambry Variant Classification Scheme 2023. Collection method: clinical testing. Allele origin: germline.
Comment: The p.A30E variant (also known as c.89C>A), located in coding exon 2 of the LRSAM1 gene, results from a C to A substitution at nucleotide position 89. The alanine at codon 30 is replaced by glutamic acid, an amino acid with dissimilar properties. This amino acid position is highly conserved in available vertebrate species. In addition, this alteration is predicted to be tolerated by in silico analysis. Since supporting evidence is limited at this time, the clinical significance of this alteration remains unclear.

Labcorp Genetics (formerly Invitae), Labcorp
Classification: Uncertain significance for Charcot-Marie-Tooth disease axonal type 2P. Last evaluated: 2017-12-05. Review status: criteria provided, single submitter. Criteria: Invitae Variant Classification Sherloc (09022015). Collection method: clinical testing. Allele origin: germline.
Comment: In summary, the available evidence is currently insufficient to determine the role of this variant in disease. Therefore, it has been classified as a Variant of Uncertain Significance. Algorithms developed to predict the effect of missense changes on protein structure and function (SIFT, PolyPhen-2, Align-GVGD) all suggest that this variant is likely to be disruptive, but these predictions have not been confirmed by published functional studies and their clinical significance is uncertain. This variant has not been reported in the literature in individuals with LRSAM1-related disease. This variant is present in population databases (rs769070078, ExAC 0.001%). This sequence change replaces alanine with glutamic acid at codon 30 of the LRSAM1 protein (p.Ala30Glu). The alanine residue is highly conserved and there is a moderate physicochemical difference between alanine and glutamic acid.

NM_001005373.4(LRSAM1):c.89C>A (p.Ala30Glu)

Gene: LRSAM1 (leucine rich repeat and sterile alpha motif containing 1; plus strand). Cytogenetic location: 9q33.3.
Variant type: single nucleotide variant.
Coding change: c.89C>A on transcript NM_001005373.4 (MANE Select); coding-DNA position 89, C replaced by A.
Protein change: p.Ala30Glu; replaces alanine 30 with glutamic acid.
Molecular consequence: missense variant. On other transcripts: 5 prime UTR variant (1), non-coding transcript variant (2).
Genome position (GRCh38, 1-based): chr9:127,455,014, C>A. VCF-style: chr9-127455014-C-A. GRCh37 (hg19) VCF-style: chr9-130217293-C-A.
Other names: c.89C>A (NM_138361.4); c.89C>A, p.Ala30Glu (NM_001005374.4, NM_001190723.3, NM_001384142.1 and 2 more transcripts); c.-696C>A (NM_001384144.1); short protein forms A30E.
Identifiers: ClinVar variation 539999 (VCV000539999.10), dbSNP rs769070078, ClinGen allele CA5246375.
Genomic context (GRCh38, chr9:127,455,014, plus strand): 5'-GGTGTTTTGTCTTAATACTTTTTAAAAATTCTTTTTATCCTTAGGCAAAAGAAGCTGGGG[C>A]AGATGACATTCTCGACATCTCTAAATGTGAGCTCTCAGAGGTAAACTGAGGATAGTGTTG-3'
Protein context (NP_001005373.1, residues 20-40): YQMCLAKEAG[Ala30Glu]DDILDISKCE